The following is an entry in ClinVar:

ClinVar aggregate classification (germline): Uncertain significance (1 of 4 stars; one submission).

gnomAD v4.1: 2 of 1,613,924 alleles (0.00012%); highest among the groups gnomAD compares: Non-Finnish European, 0.00017%; no homozygotes.

Submission:

Labcorp Genetics (formerly Invitae), Labcorp
Classification: Uncertain significance. Last evaluated: 2022-03-17. Review status: criteria provided, single submitter. Criteria: Invitae Variant Classification Sherloc (09022015). Collection method: clinical testing. Allele origin: germline.
Comment: In summary, the available evidence is currently insufficient to determine the role of this variant in disease. Therefore, it has been classified as a Variant of Uncertain Significance. Algorithms developed to predict the effect of missense changes on protein structure and function are either unavailable or do not agree on the potential impact of this missense change (SIFT: "Deleterious"; PolyPhen-2: "Benign"; Align-GVGD: "Class C0"). This variant has not been reported in the literature in individuals affected with C1orf194-related conditions. This variant is not present in population databases (gnomAD no frequency). This sequence change replaces glutamine, which is neutral and polar, with glutamic acid, which is acidic and polar, at codon 131 of the C1orf194 protein (p.Gln131Glu).

NM_001245025.3(CFAP276):c.427C>G (p.Gln143Glu)

Gene: CFAP276 (cilia and flagella associated protein 276; minus strand). Cytogenetic location: 1p13.3.
Variant type: single nucleotide variant.
Coding change: c.427C>G on transcript NM_001245025.3 (MANE Select); coding-DNA position 427, C replaced by G.
Protein change: p.Gln143Glu; replaces glutamine 143 with glutamic acid.
Molecular consequence: missense variant. On other transcripts: non-coding transcript variant (2).
Genome position (GRCh38, 1-based): chr1:109,106,547, G>C on the plus strand (C>G on the coding strand, the complement: CFAP276 is on the minus strand). VCF-style: chr1-109106547-G-C. GRCh37 (hg19) VCF-style: chr1-109649169-G-C.
Other names: c.391C>G, p.Gln131Glu (NM_001122961.3); c.421C>G, p.Gln141Glu (NM_001366200.3); c.310C>G, p.Gln104Glu (NM_001366201.3); c.274C>G, p.Gln92Glu (NM_001366202.3); short protein forms Q143E, Q131E, Q141E, Q104E, Q92E.
Identifiers: ClinVar variation 2113175 (VCV002113175.4), dbSNP rs2525557645, ClinGen allele CA341483423.